The following is an entry in ClinVar:

ClinVar aggregate classification (germline): Likely benign (1 of 4 stars; one submission).

Submission:

GeneDx
Classification: Likely benign. Last evaluated: 2015-10-29. Review status: criteria provided, single submitter. Criteria: GeneDx Variant Classification (06012015). Collection method: clinical testing. Allele origin: germline. Affected: yes.
Comment: This variant is considered likely benign or benign based on one or more of the following criteria: it is a conservative change, it occurs at a poorly conserved position in the protein, it is predicted to be benign by multiple in silico algorithms, and/or has population frequency not consistent with disease.

NM_004415.4(DSP):c.1095C>G (p.Thr365=)

Gene: DSP (desmoplakin; plus strand). Cytogenetic location: 6p24.3.
Variant type: single nucleotide variant.
Coding change: c.1095C>G on transcript NM_004415.4 (MANE Select); coding-DNA position 1095, C replaced by G.
Protein change: p.Thr365=; no amino-acid change (threonine 365 retained).
Molecular consequence: synonymous variant.
Genome position (GRCh38, 1-based): chr6:7,567,404, C>G. VCF-style: chr6-7567404-C-G. GRCh37 (hg19) VCF-style: chr6-7567637-C-G.
Other names: c.1095C>G (LRG_423t1); c.1095C>G, p.Thr365= (NM_001008844.3, NM_001319034.2).
Identifiers: ClinVar variation 380996 (VCV000380996.1), dbSNP rs1057520921, ClinGen allele CA16605128.
Genomic context (GRCh38, chr6:7,567,404, plus strand): 5'-CTTGTTTCAGGCCTATATGGACACTCTGCAGACGCAGTGGAGTTGGATTCTTCAGATCAC[C>G]AAGTGCATTGATGTTCATCTGAAAGAAAATGCTGCCTACTTTCAGGTTTTTATATTTAGT-3'
Protein context (NP_004406.2, residues 355-375): QTQWSWILQI[Thr365=]KCIDVHLKEN